The following is an entry in ClinVar:

ClinVar aggregate classification (germline): Benign. Review status: criteria provided, single submitter (1 of 4 stars). 2 submissions from 2 submitters: Benign (1). 1 of the submissions does not count toward it. Last evaluated 2025-03-25.

Conditions:
KMT2D-related disorder. Also called: KMT2D-Related Disorders.
Kabuki syndrome. Also called: Kabuki make-up syndrome; NIIKAWA-KUROKI SYNDROME. Identifiers: Orphanet 2322, MedGen C0796004, MONDO:0016512.

Allele frequency attached by ClinVar (database versions not stated): gnomAD exomes 0.00001; TOPMed 0.00001.
gnomAD v4.1: 15 of 1,596,410 alleles (0.00094%); highest among the groups gnomAD compares: South Asian, 0.0091%; 1 homozygote.

Submissions (2):

Labcorp Genetics (formerly Invitae), Labcorp
Classification: Benign for Kabuki syndrome. Last evaluated: 2025-03-25. Review status: criteria provided, single submitter. Criteria: Invitae Variant Classification Sherloc (09022015). Collection method: clinical testing. Allele origin: germline.

PreventionGenetics, part of Exact Sciences
Classification: Likely benign for KMT2D-related condition. Last evaluated: 2023-10-20. Review status: no assertion criteria provided. Collection method: clinical testing. Allele origin: germline. Not counted in ClinVar's aggregate classification.
Comment: This variant is classified as likely benign based on ACMG/AMP sequence variant interpretation guidelines (Richards et al. 2015 PMID: 25741868, with internal and published modifications).

NM_003482.4(KMT2D):c.444C>T (p.Gly148=)

Gene: KMT2D (lysine methyltransferase 2D; minus strand). Cytogenetic location: 12q13.12.
Variant type: single nucleotide variant.
Coding change: c.444C>T on transcript NM_003482.4 (MANE Select); coding-DNA position 444, C replaced by T.
Protein change: p.Gly148=; no amino-acid change (glycine 148 retained).
Molecular consequence: synonymous variant.
Genome position (GRCh38, 1-based): chr12:49,054,373, G>A on the plus strand (C>T on the coding strand, the complement: KMT2D is on the minus strand). VCF-style: chr12-49054373-G-A. GRCh37 (hg19) VCF-style: chr12-49448156-G-A.
Identifiers: ClinVar variation 2147431 (VCV002147431.6), dbSNP rs1286065271, ClinGen allele CA479715525.